The following is an entry in ClinVar:

ClinVar aggregate classification (germline): Uncertain significance. Review status: criteria provided, multiple submitters, no conflicts (2 of 4 stars). 4 submissions from 4 submitters: Uncertain significance (3). 1 of the submissions does not count toward it. Last evaluated 2023-04-11.

Conditions:
Inborn genetic diseases. Identifiers: MedGen C0950123, MeSH D030342.
Glycogen storage disease type III (GSD3). Also called: Cori disease; FORBES DISEASE. Identifiers: Orphanet 366, MedGen C0017922, MONDO:0009291, OMIM 232400.

Allele frequency attached by ClinVar (database versions not stated): gnomAD exomes below 0.00001 and 0.00001; TOPMed 0.00005; gnomAD 0.00006.
gnomAD v4.1: 23 of 1,613,516 alleles (0.0014%); highest among the groups gnomAD compares: African/African-American, 0.0053%; no homozygotes.

Submissions (4):

Genome-Nilou Lab
Classification: Uncertain significance for Glycogen storage disease type III. Last evaluated: 2023-04-11. Review status: criteria provided, single submitter. Criteria: ACMG Guidelines, 2015. Collection method: clinical testing. Allele origin: germline. Affected: no.

Ambry Genetics
Classification: Uncertain significance for Inborn genetic diseases. Last evaluated: 2023-03-20. Review status: criteria provided, single submitter. Criteria: Ambry Variant Classification Scheme 2023. Collection method: clinical testing. Allele origin: germline.

Labcorp Genetics (formerly Invitae), Labcorp
Classification: Uncertain significance for Glycogen storage disease type III. Last evaluated: 2022-08-05. Review status: criteria provided, single submitter. Criteria: Invitae Variant Classification Sherloc (09022015). Collection method: clinical testing. Allele origin: germline.
Comment: This sequence change replaces asparagine, which is neutral and polar, with serine, which is neutral and polar, at codon 549 of the AGL protein (p.Asn549Ser). This variant is present in population databases (no rsID available, gnomAD 0.0009%). This variant has not been reported in the literature in individuals affected with AGL-related conditions. ClinVar contains an entry for this variant (Variation ID: 939450). Algorithms developed to predict the effect of missense changes on protein structure and function (SIFT, PolyPhen-2, Align-GVGD) all suggest that this variant is likely to be tolerated. In summary, the available evidence is currently insufficient to determine the role of this variant in disease. Therefore, it has been classified as a Variant of Uncertain Significance.

Natera, Inc.
Classification: Uncertain significance for Glycogen storage disease type III. Last evaluated: 2020-01-24. Review status: no assertion criteria provided. Collection method: clinical testing. Allele origin: germline. Not counted in ClinVar's aggregate classification.

NM_000642.3(AGL):c.1646A>G (p.Asn549Ser)

Gene: AGL (amylo-alpha-1,6-glucosidase and 4-alpha-glucanotransferase; plus strand). Cytogenetic location: 1p21.2.
Variant type: single nucleotide variant.
Coding change: c.1646A>G on transcript NM_000642.3 (MANE Select); coding-DNA position 1646, A replaced by G.
Protein change: p.Asn549Ser; replaces asparagine 549 with serine.
Molecular consequence: missense variant.
Genome position (GRCh38, 1-based): chr1:99,879,957, A>G. VCF-style: chr1-99879957-A-G. GRCh37 (hg19) VCF-style: chr1-100345513-A-G.
Other names: c.1646A>G, p.Asn549Ser (NM_000643.3, NM_000644.3, NM_001425325.1 and 2 more transcripts); c.1598A>G, p.Asn533Ser (NM_000646.3); c.1445A>G, p.Asn482Ser (NM_001425327.1); c.1442A>G, p.Asn481Ser (NM_001425328.1, NM_001425329.1); c.1268A>G, p.Asn423Ser (NM_001425332.1); short protein forms N533S, N549S, N423S, N481S, N482S.
Identifiers: ClinVar variation 939450 (VCV000939450.9), dbSNP rs909008103, ClinGen allele CA27514750.